The following is an entry in ClinVar:

ClinVar aggregate classification (germline): Likely benign. Review status: criteria provided, multiple submitters, no conflicts (2 of 4 stars). 2 submissions from 2 submitters: Likely benign (2). Last evaluated 2023-08-24.

Allele frequency attached by ClinVar (database versions not stated): gnomAD exomes 0.00016; gnomAD 0.00345.

Submissions (2):

Labcorp Genetics (formerly Invitae), Labcorp
Classification: Likely benign. Last evaluated: 2023-08-24. Review status: criteria provided, single submitter. Criteria: Invitae Variant Classification Sherloc (09022015). Collection method: clinical testing. Allele origin: germline.

CeGaT Center for Human Genetics Tuebingen
Classification: Likely benign. Last evaluated: 2023-04-01. Review status: criteria provided, single submitter. Criteria: CeGaT Center For Human Genetics Tuebingen Variant Classification Criteria Version 2. Collection method: clinical testing. Allele origin: germline. Affected: yes. Observed: 1 variant allele.
Comment: NLGN2: BP4, BP7

NM_020795.4(NLGN2):c.2406G>A (p.Pro802=)

Gene: NLGN2 (neuroligin 2; plus strand). Cytogenetic location: 17p13.1.
Variant type: single nucleotide variant.
Coding change: c.2406G>A on transcript NM_020795.4 (MANE Select); coding-DNA position 2406, G replaced by A.
Protein change: p.Pro802=; no amino-acid change (proline 802 retained).
Molecular consequence: synonymous variant.
Genome position (GRCh38, 1-based): chr17:7,417,697, G>A. VCF-style: chr17-7417697-G-A. GRCh37 (hg19) VCF-style: chr17-7321016-G-A.
Identifiers: ClinVar variation 2647335 (VCV002647335.27), dbSNP rs755787981, ClinGen allele CA497720707.
Genomic context (GRCh38, chr17:7,417,697, plus strand): 5'-CTTGGCCCCCGGGGCCCTGACCCTGCTGCCCAGTGGCCTGGGGCCACCGCCACCCCCACC[G>A]CCCCCCTCCCTTCATCCCTTCGGGCCCTTCCCCCCGCCCCCTCCCACCGCCACCAGCCAC-3'
Protein context (NP_065846.1, residues 792-812): PSGLGPPPPP[Pro802=]PPSLHPFGPF